The following is an entry in ClinVar:

NM_002234.4(KCNA5):c.1586A>G (p.His529Arg)

Gene: KCNA5 (potassium voltage-gated channel subfamily A member 5; plus strand). Cytogenetic location: 12p13.32.
Variant type: single nucleotide variant.
Coding change: c.1586A>G on transcript NM_002234.4 (MANE Select); coding-DNA position 1586, A replaced by G.
Protein change: p.His529Arg; replaces histidine 529 with arginine.
Molecular consequence: missense variant.
Genome position (GRCh38, 1-based): chr12:5,045,733, A>G. VCF-style: chr12-5045733-A-G. GRCh37 (hg19) VCF-style: chr12-5154899-A-G.
Other names: short protein forms H529R.
Identifiers: ClinVar variation 3674492 (VCV003674492.2).

ClinVar aggregate classification (germline): Uncertain significance (1 of 4 stars; one submission).

Conditions:
Atrial fibrillation, familial, 7 (ATFB7). Identifiers: MedGen C2677106, MONDO:0012828, OMIM 612240.

Submission:

Labcorp Genetics (formerly Invitae), Labcorp
Classification: Uncertain significance for Atrial fibrillation, familial, 7. Last evaluated: 2024-03-24. Review status: criteria provided, single submitter. Criteria: Invitae Variant Classification Sherloc (09022015). Collection method: clinical testing. Allele origin: germline.
Comment: This sequence change replaces histidine, which is basic and polar, with arginine, which is basic and polar, at codon 529 of the KCNA5 protein (p.His529Arg). This variant is not present in population databases (gnomAD no frequency). This variant has not been reported in the literature in individuals affected with KCNA5-related conditions. Advanced modeling of protein sequence and biophysical properties (such as structural, functional, and spatial information, amino acid conservation, physicochemical variation, residue mobility, and thermodynamic stability) performed at Invitae indicates that this missense variant is not expected to disrupt KCNA5 protein function with a negative predictive value of 80%. In summary, the available evidence is currently insufficient to determine the role of this variant in disease. Therefore, it has been classified as a Variant of Uncertain Significance.